The following is an entry in ClinVar:

NM_024854.5(PYROXD1):c.1440T>C (p.Asn480=)

Gene: PYROXD1 (pyridine nucleotide-disulphide oxidoreductase domain 1; plus strand). Cytogenetic location: 12p12.1.
Variant type: single nucleotide variant.
Coding change: c.1440T>C on transcript NM_024854.5 (MANE Select); coding-DNA position 1440, T replaced by C.
Protein change: p.Asn480=; no amino-acid change (asparagine 480 retained).
Molecular consequence: synonymous variant.
Genome position (GRCh38, 1-based): chr12:21,468,691, T>C. VCF-style: chr12-21468691-T-C. GRCh37 (hg19) VCF-style: chr12-21621625-T-C.
Other names: c.1227T>C, p.Asn409= (NM_001350912.2); c.663T>C, p.Asn221= (NM_001350913.2).
Identifiers: ClinVar variation 3251065 (VCV003251065.18), dbSNP rs2540293749.

ClinVar aggregate classification (germline): Likely benign (1 of 4 stars; one submission).

Allele frequency attached by ClinVar (database versions not stated): gnomAD exomes below 0.00001.
gnomAD v4.1: 1 of 1,611,190 alleles (0.000062%); highest among the groups gnomAD compares: South Asian, 0.0011%; no homozygotes.

Submission:

CeGaT Center for Human Genetics Tuebingen
Classification: Likely benign. Last evaluated: 2024-06-01. Review status: criteria provided, single submitter. Criteria: CeGaT Center For Human Genetics Tuebingen Variant Classification Criteria Version 2. Collection method: clinical testing. Allele origin: germline. Affected: yes. Observed: 1 variant allele.
Comment: PYROXD1: PM2:Supporting, BP4, BP7